The following is an entry in ClinVar:

ClinVar aggregate classification (germline): Likely benign. Review status: criteria provided, single submitter (1 of 4 stars). 2 submissions from 2 submitters: Likely benign (1). 1 of the submissions does not count toward it. Last evaluated 2025-09-15.

Conditions:
Hereditary breast ovarian cancer syndrome. Also called: BRCA1- and BRCA2-Associated Hereditary Breast and Ovarian Cancer; Hereditary breast and ovarian cancer syndrome; Hereditary breast and ovarian cancer syndrome (HBOC); Breast and ovarian cancer; Hereditary breast and/or ovarian cancer syndrome; Hereditary breast and ovarian cancer. Identifiers: Orphanet 145, MedGen C0677776, MeSH D061325, MONDO:0003582. Disease mechanism: loss of function.
Familial cancer of breast. Also called: hereditary breast carcinoma; BREAST CANCER, FAMILIAL; Hereditary breast cancer. Identifiers: Orphanet 227535, MedGen C0346153, MONDO:0016419, OMIM 114480. Disease mechanism: loss of function.

gnomAD v4.1: 1 of 1,614,188 alleles (0.000062%); highest among the groups gnomAD compares: East Asian, 0.0022%; no homozygotes.

Submissions (3):

Labcorp Genetics (formerly Invitae), Labcorp
Classification: Likely benign for Hereditary breast ovarian cancer syndrome. Last evaluated: 2025-09-15. Review status: criteria provided, single submitter. Criteria: Invitae Variant Classification Sherloc (09022015). Collection method: clinical testing. Allele origin: germline.

Brotman Baty Institute, University of Washington
No classification provided (evidence only). Condition: Breast-ovarian cancer, familial 1. Review status: no classification provided. Collection method: in vitro. Allele origin: not applicable. Functional consequence: functionally_normal. Not counted in ClinVar's aggregate classification.
ClinVar note: "not provided" was previously submitted as the classification for the variant. However, the classification appeared to be based only on an observation of functional data so it was converted to no classification on 2025-07-30.

ClinVar Staff, National Center for Biotechnology Information (NCBI)
No classification provided. Condition: Familial cancer of breast. Review status: no classification provided. Collection method: literature only. Allele origin: germline. Affected: yes. Not counted in ClinVar's aggregate classification.

Literature cited by the submitters: PubMed 12624724 (cited by ClinVar Staff, National Center for Biotechnology Information (NCBI)).

NM_007294.4(BRCA1):c.5467+8G>T

Gene: BRCA1 (BRCA1 DNA repair associated; minus strand). Cytogenetic location: 17q21.31.
Variant type: single nucleotide variant.
Coding change: c.5467+8G>T on transcript NM_007294.4 (MANE Select); 8 bases into the intron after coding-DNA position 5467, G replaced by T.
Molecular consequence: intron variant.
Genome position (GRCh38, 1-based): chr17:43,047,635, C>A on the plus strand (G>T on the coding strand, the complement: BRCA1 is on the minus strand). VCF-style: chr17-43047635-C-A. GRCh37 (hg19) VCF-style: chr17-41199652-C-A.
Other names: c.2014+8G>T (NM_001408458.1, NM_001408461.1, NM_001408464.1 and 7 more transcripts); c.4576+8G>T (NM_001407967.1); c.5086+8G>T (NM_001407959.1); c.5200+8G>T (NM_001407931.1, NM_001407932.1, NM_001407928.1 and 4 more transcripts); c.5323+8G>T (NM_001407747.1, NM_001407745.1, NM_001407737.1 and 18 more transcripts); c.5083+8G>T (NM_001407962.1, NM_001407960.1); c.1654+8G>T (NM_001408512.1); c.1777+8G>T (NM_001408510.1); and 83 more.
Identifiers: ClinVar variation 55587 (VCV000055587.5), dbSNP rs80358062, ClinGen allele CA003616.
Genomic context (GRCh38, chr17:43,047,635, plus strand): 5'-GTAATGAGTGATAAACCAAACCCATGCAAAAGGACCCCATATAGCACAGGTACATGCAGG[C>A]ACCTTACCATGGAAGCCATTGTCCTCTGTCCAGGCATCTGGCTGCACAACCACAATTGGG-3'